The following is an entry in ClinVar:

NM_144997.7(FLCN):c.1436dup (p.Thr481fs)

Gene: FLCN (folliculin; minus strand). Cytogenetic location: 17p11.2.
Variant type: Duplication.
Coding change: c.1436dup on transcript NM_144997.7 (MANE Select); coding-DNA position 1436, one base duplicated (G; older notation c.1436dupG).
Protein change: p.Thr481fs; shifts the reading frame from threonine 481.
Molecular consequence: frameshift variant.
Genome position (GRCh38, 1-based): chr17:17,215,087, C duplicated on the plus strand (G on the coding strand, the reverse complement: FLCN is on the minus strand); the first of 3 consecutive C bases (chr17:17,215,087-17,215,089); duplicating any one gives the same sequence. VCF-style (leftmost placement, unchanged base first): chr17-17215086-G-GC. GRCh37 (hg19) VCF-style: chr17-17118400-G-GC.
Other names: c.1490dup, p.Thr499fs (NM_001353229.2); c.1436dup, p.Thr481fs (NM_001353230.2, NM_001353231.2); short protein forms T499fs, T481fs.
Identifiers: ClinVar variation 2115952 (VCV002115952.4), dbSNP rs2544142899, ClinGen allele CA2580092691.

ClinVar aggregate classification (germline): Pathogenic (1 of 4 stars; one submission).

Conditions:
Birt-Hogg-Dube syndrome. Also called: Birt Hogg Dubé syndrome. Identifiers: Orphanet 122, MedGen C0346010, MONDO:0800444.

Submission:

Labcorp Genetics (formerly Invitae), Labcorp
Classification: Pathogenic for Birt-Hogg-Dube syndrome. Last evaluated: 2025-12-09. Review status: criteria provided, single submitter. Criteria: Invitae Variant Classification Sherloc (09022015). Collection method: clinical testing. Allele origin: germline.
Comment: This sequence change creates a premature translational stop signal (p.Thr481Hisfs*5) in the FLCN gene. It is expected to result in an absent or disrupted protein product. Loss-of-function variants in FLCN are known to be pathogenic (PMID: 15852235). This variant is not present in population databases (gnomAD no frequency). This variant has not been reported in the literature in individuals affected with FLCN-related conditions. ClinVar contains an entry for this variant (Variation ID: 2115952). For these reasons, this variant has been classified as Pathogenic.

Literature cited by the submitters: PubMed 15852235.